The following is an entry in ClinVar:

ClinVar aggregate classification (germline): Uncertain significance (1 of 4 stars; one submission).

Conditions:
Multiple acyl-CoA dehydrogenase deficiency (MADD). Also called: Glutaric aciduria, type 2; ETHYLMALONIC-ADIPICACIDURIA; GA II; Glutaric acidemia type II; GA 2; Glutaric Acidemia type 2. Identifiers: Orphanet 26791, MedGen C0268596, MONDO:0009282, OMIM 231680.

Allele frequency attached by ClinVar (database versions not stated): gnomAD exomes below 0.00001.
gnomAD v4.1: 1 of 1,612,170 alleles (0.000062%); highest among the groups gnomAD compares: Non-Finnish European, 0.000085%; no homozygotes.

Submission:

Labcorp Genetics (formerly Invitae), Labcorp
Classification: Uncertain significance for Multiple acyl-CoA dehydrogenase deficiency. Last evaluated: 2021-03-29. Review status: criteria provided, single submitter. Criteria: Invitae Variant Classification Sherloc (09022015). Collection method: clinical testing. Allele origin: germline.
Comment: Advanced modeling of protein sequence and biophysical properties (such as structural, functional, and spatial information, amino acid conservation, physicochemical variation, residue mobility, and thermodynamic stability) performed at Invitae indicates that this missense variant is expected to disrupt ETFDH protein function. Algorithms developed to predict the effect of sequence changes on RNA splicing suggest that this variant may create or strengthen a splice site, but this prediction has not been confirmed by published transcriptional studies. In summary, the available evidence is currently insufficient to determine the role of this variant in disease. Therefore, it has been classified as a Variant of Uncertain Significance. This variant has not been reported in the literature in individuals with ETFDH-related conditions. This sequence change replaces glycine with serine at codon 382 of the ETFDH protein (p.Gly382Ser). The glycine residue is highly conserved and there is a small physicochemical difference between glycine and serine. This variant is not present in population databases (ExAC no frequency).

NM_004453.4(ETFDH):c.1144G>A (p.Gly382Ser)

Gene: ETFDH (electron transfer flavoprotein dehydrogenase; plus strand). Cytogenetic location: 4q32.1.
Variant type: single nucleotide variant.
Coding change: c.1144G>A on transcript NM_004453.4 (MANE Select); coding-DNA position 1144, G replaced by A.
Protein change: p.Gly382Ser; replaces glycine 382 with serine.
Molecular consequence: missense variant.
Genome position (GRCh38, 1-based): chr4:158,703,450, G>A. VCF-style: chr4-158703450-G-A. GRCh37 (hg19) VCF-style: chr4-159624602-G-A.
Other names: c.1003G>A, p.Gly335Ser (NM_001281737.2); c.961G>A, p.Gly321Ser (NM_001281738.1); short protein forms G321S, G382S, G335S.
Identifiers: ClinVar variation 1428136 (VCV001428136.8), dbSNP rs2126309213, ClinGen allele CA358562763.